The following is an entry in ClinVar:

ClinVar aggregate classification (germline): Likely benign (1 of 4 stars; one submission).

Allele frequency attached by ClinVar (database versions not stated): gnomAD exomes below 0.00001; ExAC 0.00001; gnomAD 0.00001.
gnomAD v4.1: 8 of 1,613,758 alleles (0.0005%); highest among the groups gnomAD compares: South Asian, 0.0055%; no homozygotes.

Submission:

CeGaT Center for Human Genetics Tuebingen
Classification: Likely benign. Last evaluated: 2024-04-01. Review status: criteria provided, single submitter. Criteria: CeGaT Center For Human Genetics Tuebingen Variant Classification Criteria Version 2. Collection method: clinical testing. Allele origin: germline. Affected: yes. Observed: 1 variant allele.
Comment: LPAR6: BP4

NM_001162498.3(LPAR6):c.239G>A (p.Arg80Gln)

Genes: LPAR6 (lysophosphatidic acid receptor 6; minus strand), RB1 (RB transcriptional corepressor 1; plus strand). Cytogenetic location: 13q14.2.
Variant type: single nucleotide variant.
Coding change: c.239G>A on transcript NM_001162498.3 (MANE Select); coding-DNA position 239, G replaced by A.
Protein change: p.Arg80Gln; replaces arginine 80 with glutamine.
Molecular consequence: missense variant. On other transcripts: intron variant (2).
Genome position (GRCh38, 1-based): chr13:48,412,185, C>T on the plus strand (G>A on the coding strand, the complement: LPAR6 is on the minus strand). VCF-style: chr13-48412185-C-T. GRCh37 (hg19) VCF-style: chr13-48986321-C-T.
Other names: c.239G>A, p.Arg80Gln (NM_001162497.3, NM_001377316.2, NM_001377317.2 and 1 more transcripts); c.1695+30742C>T (NM_001407165.1, NM_000321.3); short protein forms R80Q.
Identifiers: ClinVar variation 3234310 (VCV003234310.20), dbSNP rs763565378, ClinGen allele CA031316.